The following is an entry in ClinVar:

NM_002834.5(PTPN11):c.1694C>A (p.Pro565Gln)

Gene: PTPN11 (protein tyrosine phosphatase non-receptor type 11; plus strand). Cytogenetic location: 12q24.13.
Variant type: single nucleotide variant.
Coding change: c.1694C>A on transcript NM_002834.5 (MANE Select); coding-DNA position 1694, C replaced by A.
Protein change: p.Pro565Gln; replaces proline 565 with glutamine.
Molecular consequence: missense variant.
Genome position (GRCh38, 1-based): chr12:112,502,238, C>A. VCF-style: chr12-112502238-C-A. GRCh37 (hg19) VCF-style: chr12-112940042-C-A.
Other names: c.1706C>A, p.Pro569Gln (NM_001330437.2); c.1691C>A, p.Pro564Gln (NM_001374625.1); short protein forms P564Q, P565Q, P569Q.
Identifiers: ClinVar variation 3940426 (VCV003940426.1).
Genomic context (GRCh38, chr12:112,502,238, plus strand): 5'-TTAAGTATTCTCTAGCGGACCAGACGAGTGGAGATCAGAGCCCTCTCCCGCCTTGTACTC[C>A]AACGCCACCCTGTGCAGAGTAAGTAGTGCTGAAGGAAATTCTTTTTACCTGGTCATGGTG-3'
Protein context (NP_002825.3, residues 555-575): GDQSPLPPCT[Pro565Gln]TPPCAEMRED

ClinVar aggregate classification (germline): Uncertain significance (1 of 4 stars; one submission).

Conditions:
Cardiovascular phenotype. Identifiers: MedGen CN230736.

gnomAD v4.1: 1 of 1,612,730 alleles (0.000062%); highest among the groups gnomAD compares: Non-Finnish European, 0.000085%; no homozygotes.

Submission:

Ambry Genetics
Classification: Uncertain significance for Cardiovascular phenotype. Last evaluated: 2025-05-28. Review status: criteria provided, single submitter. Criteria: Ambry Variant Classification Scheme 2023. Collection method: clinical testing. Allele origin: germline.
Comment: The p.P565Q variant (also known as c.1694C>A), located in coding exon 14 of the PTPN11 gene, results from a C to A substitution at nucleotide position 1694. The proline at codon 565 is replaced by glutamine, an amino acid with similar properties. This amino acid position is conserved. In addition, this alteration is predicted to be tolerated by in silico analysis. Based on the available evidence, the clinical significance of this variant remains unclear.